The following is an entry in ClinVar:

ClinVar aggregate classification (germline): Uncertain significance. Review status: criteria provided, multiple submitters, no conflicts (2 of 4 stars). 3 submissions from 3 submitters: Uncertain significance (3). Last evaluated 2025-08-18.

Conditions:
Keratitis fugax hereditaria. Also called: KERATOENDOTHELIITIS FUGAX HEREDITARIA. Identifiers: Orphanet 647815, MedGen C1835697, MONDO:0007849, OMIM 148200.
Hearing loss, autosomal dominant 34, with or without inflammation. Also called: DEAFNESS, AUTOSOMAL DOMINANT 34, WITH OR WITHOUT INFLAMMATION. Identifiers: MedGen C4521680, MONDO:0033261, OMIM 617772.
Chronic infantile neurological, cutaneous and articular syndrome (CINCA). Also called: CHRONIC NEUROLOGIC CUTANEOUS AND ARTICULAR SYNDROME; CINCA syndrome; Prieur Griscelli syndrome; CRYOPYRIN-ASSOCIATED PERIODIC SYNDROME 3. Identifiers: Orphanet 1451, MedGen C0409818, MONDO:0011776, OMIM 607115.
Familial amyloid nephropathy with urticaria AND deafness (MWS). Also called: MUCKLE-WELLS SYNDROME; Urticaria, deafness and amyloidosis; CRYOPYRIN-ASSOCIATED PERIODIC SYNDROME 2; UDA SYNDROME; URTICARIA-DEAFNESS-AMYLOIDOSIS SYNDROME. Identifiers: Orphanet 575, MedGen C0268390, MONDO:0008633, OMIM 191900.
Familial cold autoinflammatory syndrome 1 (FCAS1). Also called: CRYOPYRIN-ASSOCIATED PERIODIC SYNDROME 1; Familial cold inflammatory syndrome 1. Identifiers: Orphanet 47045, MedGen C4551895, MONDO:0007349, OMIM 120100.
Cryopyrin associated periodic syndrome (CAPS). Identifiers: Orphanet 208650, MedGen C2316212, MONDO:0016168.

gnomAD v4.1: 7 of 1,479,964 alleles (0.00047%); highest among the groups gnomAD compares: East Asian, 0.0052%; no homozygotes.

Submissions (3):

Dasa
Classification: Uncertain significance. Last evaluated: 2025-08-18. Review status: criteria provided, single submitter. Criteria: DASA Assertion Criteria. Collection method: clinical testing. Allele origin: germline.
Comment: NM_001243133.2(NLRP3):c.2342C>T (p.Ser781Leu) is a missense variant that results in the substitution of serine with leucine. This variant is rare in population databases. The currently available literature and clinical evidence are not sufficient to establish a definitive association between this variant and the reported condition. Therefore, this variant is classified as a variant of uncertain significance.

Labcorp Genetics (formerly Invitae), Labcorp
Classification: Uncertain significance for Cryopyrin associated periodic syndrome. Last evaluated: 2025-01-17. Review status: criteria provided, single submitter. Criteria: Invitae Variant Classification Sherloc (09022015). Collection method: clinical testing. Allele origin: germline.
Comment: This sequence change replaces serine, which is neutral and polar, with leucine, which is neutral and non-polar, at codon 783 of the NLRP3 protein (p.Ser783Leu). The frequency data for this variant in the population databases is considered unreliable, as metrics indicate poor data quality at this position in the gnomAD database. This variant has not been reported in the literature in individuals affected with NLRP3-related conditions. ClinVar contains an entry for this variant (Variation ID: 1468395). Invitae Evidence Modeling of protein sequence and biophysical properties (such as structural, functional, and spatial information, amino acid conservation, physicochemical variation, residue mobility, and thermodynamic stability) indicates that this missense variant is not expected to disrupt NLRP3 protein function with a negative predictive value of 95%. In summary, the available evidence is currently insufficient to determine the role of this variant in disease. Therefore, it has been classified as a Variant of Uncertain Significance.

Fulgent Genetics
Classification: Uncertain significance for Familial cold autoinflammatory syndrome 1; Keratitis fugax hereditaria; Familial amyloid nephropathy with urticaria AND deafness; Chronic infantile neurological, cutaneous and articular syndrome; Hearing loss, autosomal dominant 34, with or without inflammation. Last evaluated: 2022-05-25. Review status: criteria provided, single submitter. Criteria: ACMG Guidelines, 2015. Collection method: clinical testing. Allele origin: unknown.

NM_001243133.2(NLRP3):c.2342C>T (p.Ser781Leu)

Gene: NLRP3 (NLR family pyrin domain containing 3; plus strand). Cytogenetic location: 1q44.
Variant type: single nucleotide variant.
Coding change: c.2342C>T on transcript NM_001243133.2 (MANE Select); coding-DNA position 2342, C replaced by T.
Protein change: p.Ser781Leu; replaces serine 781 with leucine.
Molecular consequence: missense variant.
Genome position (GRCh38, 1-based): chr1:247,434,123, C>T. VCF-style: chr1-247434123-C-T. GRCh37 (hg19) VCF-style: chr1-247597425-C-T.
Other names: c.2342C>T, p.Ser781Leu (NM_001079821.3, NM_001127461.3); c.2171C>T, p.Ser724Leu (NM_001127462.3, NM_183395.3); c.2348C>T, p.Ser783Leu (NM_004895.5); short protein forms S724L, S781L, S783L.
Identifiers: ClinVar variation 1468395 (VCV001468395.11), dbSNP rs201969526, ClinGen allele CA1495220.